The following is an entry in ClinVar:

NM_080680.3(COL11A2):c.2173G>A (p.Val725Met)

Gene: COL11A2 (collagen type XI alpha 2 chain; minus strand). Cytogenetic location: 6p21.32.
Variant type: single nucleotide variant.
Coding change: c.2173G>A on transcript NM_080680.3 (MANE Select); coding-DNA position 2173, G replaced by A.
Protein change: p.Val725Met; replaces valine 725 with methionine.
Molecular consequence: missense variant.
Genome position (GRCh38, 1-based): chr6:33,176,300, C>T on the plus strand (G>A on the coding strand, the complement: COL11A2 is on the minus strand). VCF-style: chr6-33176300-C-T. GRCh37 (hg19) VCF-style: chr6-33144077-C-T.
Other names: c.1852G>A, p.Val618Met (NM_080679.3); c.1915G>A, p.Val639Met (NM_080681.3); short protein forms V725M, V618M, V639M.
Identifiers: ClinVar variation 432755 (VCV000432755.3), dbSNP rs1554219686, ClinGen allele CA363649422.

ClinVar aggregate classification (germline): Uncertain significance (1 of 4 stars; one submission).

Allele frequency attached by ClinVar (database versions not stated): gnomAD exomes below 0.00001; TOPMed below 0.00001.
gnomAD v4.1: 2 of 1,606,332 alleles (0.00012%); highest among the groups gnomAD compares: Non-Finnish European, 0.00017%; no homozygotes.

Submission:

GeneDx
Classification: Uncertain significance. Last evaluated: 2024-10-28. Review status: criteria provided, single submitter. Criteria: GeneDx Variant Classification Process June 2021. Collection method: clinical testing. Allele origin: germline. Affected: yes.
Comment: Not observed at significant frequency in large population cohorts (gnomAD); In silico analysis indicates that this missense variant does not alter protein structure/function; Has not been previously published as pathogenic or benign to our knowledge